The following is an entry in ClinVar:

ClinVar aggregate classification (germline): Uncertain significance. Review status: criteria provided, multiple submitters, no conflicts (2 of 4 stars). 3 submissions from 3 submitters: Uncertain significance (3). Last evaluated 2025-08-12.

Conditions:
Inborn genetic diseases. Identifiers: MedGen C0950123, MeSH D030342.
Congenital myasthenic syndrome 8. Also called: Myasthenic syndrome, congenital, 8, with pre- and postsynaptic defects; MYASTHENIC SYNDROME, CONGENITAL, DUE TO AGRIN DEFICIENCY. Identifiers: Orphanet 590, MedGen C3808739, MONDO:0014052, OMIM 615120.

Allele frequency attached by ClinVar (database versions not stated): gnomAD exomes 0.00006 and 0.00010; ExAC 0.00013; gnomAD 0.00021 and 0.00023; ESP Exome Variant Server 0.00023; TOPMed 0.00029; 1000 Genomes Project 30x 0.00031; 1000 Genomes Project 0.00040.
gnomAD v4.1: 122 of 1,613,250 alleles (0.0076%); highest among the groups gnomAD compares: African/African-American, 0.099%; no homozygotes.

Submissions (3):

Ambry Genetics
Classification: Uncertain significance for Inborn genetic diseases. Last evaluated: 2025-08-12. Review status: criteria provided, single submitter. Criteria: Ambry Variant Classification Scheme 2023. Collection method: clinical testing. Allele origin: germline.

Revvity Omics, Revvity
Classification: Uncertain significance for Congenital myasthenic syndrome 8. Last evaluated: 2023-03-31. Review status: criteria provided, single submitter. Criteria: ACMG Guidelines, 2015. Collection method: clinical testing. Allele origin: germline.

Labcorp Genetics (formerly Invitae), Labcorp
Classification: Uncertain significance for Congenital myasthenic syndrome 8. Last evaluated: 2022-05-31. Review status: criteria provided, single submitter. Criteria: Invitae Variant Classification Sherloc (09022015). Collection method: clinical testing. Allele origin: germline.
Comment: This sequence change replaces glutamic acid, which is acidic and polar, with lysine, which is basic and polar, at codon 668 of the AGRN protein (p.Glu668Lys). This variant is present in population databases (rs199801106, gnomAD 0.1%). This variant has not been reported in the literature in individuals affected with AGRN-related conditions. ClinVar contains an entry for this variant (Variation ID: 956671). Algorithms developed to predict the effect of missense changes on protein structure and function are either unavailable or do not agree on the potential impact of this missense change (SIFT: "Deleterious"; PolyPhen-2: "Possibly Damaging"; Align-GVGD: "Class C0"). In summary, the available evidence is currently insufficient to determine the role of this variant in disease. Therefore, it has been classified as a Variant of Uncertain Significance.

NM_198576.4(AGRN):c.2002G>A (p.Glu668Lys)

Gene: AGRN (agrin; plus strand). Cytogenetic location: 1p36.33.
Variant type: single nucleotide variant.
Coding change: c.2002G>A on transcript NM_198576.4 (MANE Select); coding-DNA position 2002, G replaced by A.
Protein change: p.Glu668Lys; replaces glutamic acid 668 with lysine.
Molecular consequence: missense variant.
Genome position (GRCh38, 1-based): chr1:1,044,111, G>A. VCF-style: chr1-1044111-G-A. GRCh37 (hg19) VCF-style: chr1-979491-G-A.
Other names: c.2002G>A, p.Glu668Lys (NM_001305275.2); c.1687G>A, p.Glu563Lys (NM_001364727.2); short protein forms E563K, E668K.
Identifiers: ClinVar variation 956671 (VCV000956671.10), dbSNP rs199801106, ClinGen allele CA508432.